The following is an entry in ClinVar:

ClinVar aggregate classification (germline): Benign. Review status: criteria provided, multiple submitters, no conflicts (2 of 4 stars). 9 submissions from 3 submitters: Benign (9). Last evaluated 2018-06-14.

Conditions:
Stiff skin syndrome (SSKS). Identifiers: Orphanet 2833, MedGen C1861456, MONDO:0008492, OMIM 184900.
Marfan syndrome (MFS). Also called: Marfan syndrome type 1; Marfan's syndrome; MARFAN SYNDROME, TYPE I; Marfan syndrome, classic; FBN1-Related Marfan Syndrome. Identifiers: Orphanet 284963, Orphanet 558, MedGen C0024796, MONDO:0007947, OMIM 154700.
Geleophysic dysplasia. Identifiers: Orphanet 2623, MedGen C3489726, MONDO:0000127.
Weill-Marchesani syndrome. Also called: WM Syndrome; Mesodermal dysmorphodystrophy congenital. Identifiers: Orphanet 3449, MedGen C0265313, MONDO:0018096.
Acromicric dysplasia (ACMICD). Also called: Acromicric skeletal dysplasia. Identifiers: Orphanet 969, MedGen C0265287, MONDO:0007055, OMIM 102370.
Ectopia lentis 1, isolated, autosomal dominant (ECTOL1). Identifiers: Orphanet 1885, MedGen C3541518, MONDO:0007514, OMIM 129600.
Familial thoracic aortic aneurysm and aortic dissection (TAAD). Also called: Thoracic aortic aneurysms and dissections. Identifiers: Orphanet 91387, MedGen C4707243, MONDO:0019625.

Allele frequency attached by ClinVar (database versions not stated): TOPMed 0.62756; gnomAD 0.63973 and 0.63415; 1000 Genomes Project 30x 0.59697; gnomAD exomes 0.71482; 1000 Genomes Project 0.60004.
gnomAD v4.1: 223,902 of 329,388 alleles (68%); highest among the groups gnomAD compares: South Asian, 77%; 78,251 homozygotes.

Submissions (9):

GeneDx
Classification: Benign. Last evaluated: 2018-06-14. Review status: criteria provided, single submitter. Criteria: GeneDx Variant Classification Process June 2021. Collection method: clinical testing. Allele origin: germline. Affected: yes.

Illumina Laboratory Services, Illumina
Classification: Benign for Ectopia lentis 1, isolated, autosomal dominant. Last evaluated: 2018-01-12. Review status: criteria provided, single submitter. Criteria: ICSL Variant Classification Criteria 13 December 2019. Collection method: clinical testing. Allele origin: germline.
Comment: This variant was observed in the ICSL laboratory as part of a predisposition screen in an ostensibly healthy population. It had not been previously curated by ICSL or reported in the Human Gene Mutation Database (HGMD: prior to June 1st, 2018), and was therefore a candidate for classification through an automated scoring system. Utilizing variant allele frequency, disease prevalence and penetrance estimates, and inheritance mode, an automated score was calculated to assess if this variant is too frequent to cause the disease. Based on the score and internal cut-off values, a variant classified as benign is not then subjected to further curation. The score for this variant resulted in a classification of benign for this disease.

Illumina Laboratory Services, Illumina
Classification: Benign for Acromicric dysplasia. Last evaluated: 2018-01-12. Review status: criteria provided, single submitter. Criteria: ICSL Variant Classification Criteria 13 December 2019. Collection method: clinical testing. Allele origin: germline.
Comment: the same text as in the submission from Illumina Laboratory Services, Illumina above.

Illumina Laboratory Services, Illumina
Classification: Benign for Geleophysic dysplasia. Last evaluated: 2018-01-12. Review status: criteria provided, single submitter. Criteria: ICSL Variant Classification Criteria 13 December 2019. Collection method: clinical testing. Allele origin: germline.
Comment: the same text as in the submission from Illumina Laboratory Services, Illumina above.

Illumina Laboratory Services, Illumina
Classification: Benign for Familial thoracic aortic aneurysm and aortic dissection. Last evaluated: 2018-01-12. Review status: criteria provided, single submitter. Criteria: ICSL Variant Classification Criteria 13 December 2019. Collection method: clinical testing. Allele origin: germline.
Comment: the same text as in the submission from Illumina Laboratory Services, Illumina above.

Illumina Laboratory Services, Illumina
Classification: Benign for Weill-Marchesani syndrome. Last evaluated: 2018-01-12. Review status: criteria provided, single submitter. Criteria: ICSL Variant Classification Criteria 13 December 2019. Collection method: clinical testing. Allele origin: germline.
Comment: the same text as in the submission from Illumina Laboratory Services, Illumina above.

Illumina Laboratory Services, Illumina
Classification: Benign for Marfan syndrome. Last evaluated: 2018-01-12. Review status: criteria provided, single submitter. Criteria: ICSL Variant Classification Criteria 13 December 2019. Collection method: clinical testing. Allele origin: germline.
Comment: the same text as in the submission from Illumina Laboratory Services, Illumina above.

Illumina Laboratory Services, Illumina
Classification: Benign for Stiff skin syndrome. Last evaluated: 2018-01-12. Review status: criteria provided, single submitter. Criteria: ICSL Variant Classification Criteria 13 December 2019. Collection method: clinical testing. Allele origin: germline.
Comment: the same text as in the submission from Illumina Laboratory Services, Illumina above.

Breakthrough Genomics
Classification: Benign. Review status: criteria provided, single submitter. Criteria: ACMG Guidelines, 2015. Collection method: not provided. Allele origin: germline. Inheritance: Autosomal dominant inheritance. Affected: yes.

NM_000138.5(FBN1):c.*314C>T

Gene: FBN1 (fibrillin 1; minus strand). Cytogenetic location: 15q21.1.
Variant type: single nucleotide variant.
Coding change: c.*314C>T on transcript NM_000138.5 (MANE Select); 314 bases downstream of the stop codon, C replaced by T.
Molecular consequence: 3 prime UTR variant.
Genome position (GRCh38, 1-based): chr15:48,410,676, G>A on the plus strand (C>T on the coding strand, the complement: FBN1 is on the minus strand). VCF-style: chr15-48410676-G-A. GRCh37 (hg19) VCF-style: chr15-48702873-G-A.
Identifiers: ClinVar variation 316354 (VCV000316354.8), dbSNP rs1042078, ClinGen allele CA10646191.